The following is an entry in ClinVar:

NM_005337.5(NCKAP1L):c.1981C>T (p.Pro661Ser)

Gene: NCKAP1L (NCK associated protein 1 like; plus strand). Cytogenetic location: 12q13.2.
Variant type: single nucleotide variant.
Coding change: c.1981C>T on transcript NM_005337.5 (MANE Select); coding-DNA position 1981, C replaced by T.
Protein change: p.Pro661Ser; replaces proline 661 with serine.
Molecular consequence: missense variant.
Genome position (GRCh38, 1-based): chr12:54,523,496, C>T. VCF-style: chr12-54523496-C-T. GRCh37 (hg19) VCF-style: chr12-54917280-C-T.
Other names: c.1831C>T, p.Pro611Ser (NM_001184976.2); short protein forms P611S, P661S.
Identifiers: ClinVar variation 2083424 (VCV002083424.4), dbSNP rs531211911, ClinGen allele CA237460220.

ClinVar aggregate classification (germline): Uncertain significance (1 of 4 stars; one submission).

Allele frequency attached by ClinVar (database versions not stated): TOPMed below 0.00001; gnomAD 0.00001.
gnomAD v4.1: 1 of 1,614,004 alleles (0.000062%); highest among the groups gnomAD compares: East Asian, 0.0022%; no homozygotes.

Submission:

Labcorp Genetics (formerly Invitae), Labcorp
Classification: Uncertain significance. Last evaluated: 2022-02-22. Review status: criteria provided, single submitter. Criteria: Invitae Variant Classification Sherloc (09022015). Collection method: clinical testing. Allele origin: germline.
Comment: This sequence change replaces proline, which is neutral and non-polar, with serine, which is neutral and polar, at codon 661 of the NCKAP1L protein (p.Pro661Ser). In summary, the available evidence is currently insufficient to determine the role of this variant in disease. Therefore, it has been classified as a Variant of Uncertain Significance. Algorithms developed to predict the effect of missense changes on protein structure and function are either unavailable or do not agree on the potential impact of this missense change (SIFT: "Tolerated"; PolyPhen-2: "Probably Damaging"; Align-GVGD: "Class C0"). This variant has not been reported in the literature in individuals affected with NCKAP1L-related conditions. This variant is not present in population databases (gnomAD no frequency).